The following is an entry in ClinVar:

ClinVar aggregate classification (germline): Uncertain significance (1 of 4 stars; one submission).

Allele frequency attached by ClinVar (database versions not stated): ExAC 0.00002; TOPMed 0.00002; gnomAD 0.00003; ESP Exome Variant Server 0.00008; 1000 Genomes Project 30x 0.00016; 1000 Genomes Project 0.00020.
gnomAD v4.1: 28 of 1,613,058 alleles (0.0017%); highest among the groups gnomAD compares: South Asian, 0.0055%; no homozygotes.

Submission:

Labcorp Genetics (formerly Invitae), Labcorp
Classification: Uncertain significance. Last evaluated: 2022-09-29. Review status: criteria provided, single submitter. Criteria: Invitae Variant Classification Sherloc (09022015). Collection method: clinical testing. Allele origin: germline.
Comment: This sequence change replaces arginine, which is basic and polar, with cysteine, which is neutral and slightly polar, at codon 84 of the NDUFS4 protein (p.Arg84Cys). This variant is present in population databases (rs184765529, gnomAD 0.006%). This variant has not been reported in the literature in individuals affected with NDUFS4-related conditions. Algorithms developed to predict the effect of missense changes on protein structure and function are either unavailable or do not agree on the potential impact of this missense change (SIFT: "Not Available"; PolyPhen-2: "Probably Damaging"; Align-GVGD: "Not Available"). In summary, the available evidence is currently insufficient to determine the role of this variant in disease. Therefore, it has been classified as a Variant of Uncertain Significance.

NM_002495.4(NDUFS4):c.250C>T (p.Arg84Cys)

Gene: NDUFS4 (NADH:ubiquinone oxidoreductase subunit S4; plus strand). Cytogenetic location: 5q11.2.
Variant type: single nucleotide variant.
Coding change: c.250C>T on transcript NM_002495.4 (MANE Select); coding-DNA position 250, C replaced by T.
Protein change: p.Arg84Cys; replaces arginine 84 with cysteine.
Molecular consequence: missense variant. On other transcripts: non-coding transcript variant (3).
Genome position (GRCh38, 1-based): chr5:53,646,305, C>T. VCF-style: chr5-53646305-C-T. GRCh37 (hg19) VCF-style: chr5-52942135-C-T.
Other names: c.250C>T, p.Arg84Cys (NM_001318051.2); short protein forms R84C.
Identifiers: ClinVar variation 1951121 (VCV001951121.2), dbSNP rs184765529, ClinGen allele CA3264252.
Genomic context (GRCh38, chr5:53,646,305, plus strand): 5'-TTAACTGGAGTTCCAGAAGAGCATATAAAAACTAGAAAAGTCAGGATCTTTGTTCCTGCT[C>T]GCAATAACATGCAGTCTGGAGTAAACAACACAAAGAAATGGAAGATGGAGTTTGATACCA-3'
Protein context (NP_002486.1, residues 74-94): TRKVRIFVPA[Arg84Cys]NNMQSGVNNT